The following is an entry in ClinVar:

NM_018896.5(CACNA1G):c.831C>T (p.Asn277=)

Gene: CACNA1G (calcium voltage-gated channel subunit alpha1 G; plus strand). Cytogenetic location: 17q21.33.
Variant type: single nucleotide variant.
Coding change: c.831C>T on transcript NM_018896.5 (MANE Select); coding-DNA position 831, C replaced by T.
Protein change: p.Asn277=; no amino-acid change (asparagine 277 retained).
Molecular consequence: synonymous variant. On other transcripts: non-coding transcript variant (5).
Genome position (GRCh38, 1-based): chr17:50,572,638, C>T. VCF-style: chr17-50572638-C-T. GRCh37 (hg19) VCF-style: chr17-48649999-C-T.
Other names: c.831C>T, p.Asn277= (NM_001256324.2, NM_001256325.2, NM_001256326.2 and 24 more transcripts).
Identifiers: ClinVar variation 742782 (VCV000742782.27), dbSNP rs199604200, ClinGen allele CA8652044.

ClinVar aggregate classification (germline): Likely benign. Review status: criteria provided, multiple submitters, no conflicts (2 of 4 stars). 2 submissions from 2 submitters: Likely benign (2). Last evaluated 2023-10-01.

Allele frequency attached by ClinVar (database versions not stated): ExAC 0.00002; gnomAD exomes 0.00003; gnomAD 0.00004; TOPMed 0.00004.
gnomAD v4.1: 53 of 1,601,024 alleles (0.0033%); highest among the groups gnomAD compares: African/African-American, 0.011%; no homozygotes.

Submissions (2):

CeGaT Center for Human Genetics Tuebingen
Classification: Likely benign. Last evaluated: 2023-10-01. Review status: criteria provided, single submitter. Criteria: CeGaT Center For Human Genetics Tuebingen Variant Classification Criteria Version 2. Collection method: clinical testing. Allele origin: germline. Affected: yes. Observed: 1 variant allele.
Comment: CACNA1G: BP4, BP7

Labcorp Genetics (formerly Invitae), Labcorp
Classification: Likely benign. Last evaluated: 2018-06-20. Review status: criteria provided, single submitter. Criteria: Invitae Variant Classification Sherloc (09022015). Collection method: clinical testing. Allele origin: germline.